The following is an entry in ClinVar:

NM_213655.5(WNK1):c.3572C>A (p.Thr1191Asn)

Gene: WNK1 (WNK lysine deficient protein kinase 1; plus strand). Cytogenetic location: 12p13.33.
Variant type: single nucleotide variant.
Coding change: c.3572C>A on transcript NM_213655.5 (MANE Plus Clinical); coding-DNA position 3572, C replaced by A.
Protein change: p.Thr1191Asn; replaces threonine 1191 with asparagine.
Molecular consequence: missense variant. On other transcripts: intron variant (2).
Genome position (GRCh38, 1-based): chr12:869,043, C>A. VCF-style: chr12-869043-C-A. GRCh37 (hg19) VCF-style: chr12-978209-C-A.
Other names: c.3317C>A, p.Thr1106Asn (NM_001184985.2); c.2140-2222C>A (NM_018979.4, NM_014823.3); short protein forms T1191N, T1106N.
Identifiers: ClinVar variation 2016400 (VCV002016400.4), dbSNP rs2548807229, ClinGen allele CA383342391.

ClinVar aggregate classification (germline): Uncertain significance (1 of 4 stars; one submission).

Conditions:
Neuropathy, hereditary sensory and autonomic, type 2A (HSAN2A). Also called: ACROOSTEOLYSIS, GIACCAI TYPE; ACROOSTEOLYSIS, NEUROGENIC; MORVAN DISEASE; NEUROPATHY, CONGENITAL SENSORY; NEUROPATHY, HEREDITARY SENSORY RADICULAR, AUTOSOMAL RECESSIVE; NEUROPATHY, HEREDITARY SENSORY, TYPE IIA. Identifiers: Orphanet 970, MedGen C2752089, MONDO:0024309, OMIM 201300.
Pseudohypoaldosteronism type 2C (PHA2C). Also called: Pseudohypoaldosteronism Type IIC. Identifiers: Orphanet 757, Orphanet 88940, MedGen C1840391, MONDO:0013778, OMIM 614492.

Allele frequency attached by ClinVar (database versions not stated): gnomAD exomes below 0.00001.
gnomAD v4.1: 1 of 1,613,344 alleles (0.000062%); highest among the groups gnomAD compares: East Asian, 0.0022%; no homozygotes.

Submission:

Labcorp Genetics (formerly Invitae), Labcorp
Classification: Uncertain significance for Neuropathy, hereditary sensory and autonomic, type 2A; Pseudohypoaldosteronism type 2C. Last evaluated: 2022-07-15. Review status: criteria provided, single submitter. Criteria: Invitae Variant Classification Sherloc (09022015). Collection method: clinical testing. Allele origin: germline.
Comment: Advanced modeling of protein sequence and biophysical properties (such as structural, functional, and spatial information, amino acid conservation, physicochemical variation, residue mobility, and thermodynamic stability) performed at Invitae indicates that this missense variant is not expected to disrupt WNK1 protein function. In summary, the available evidence is currently insufficient to determine the role of this variant in disease. Therefore, it has been classified as a Variant of Uncertain Significance. This variant has not been reported in the literature in individuals affected with WNK1-related conditions. This variant is not present in population databases (gnomAD no frequency). This sequence change replaces threonine, which is neutral and polar, with asparagine, which is neutral and polar, at codon 1191 of the WNK1 protein (p.Thr1191Asn).